The following is an entry in ClinVar:

ClinVar aggregate classification (germline): Benign/Likely benign. Review status: criteria provided, multiple submitters, no conflicts (2 of 4 stars). 5 submissions from 5 submitters: Benign (2); Likely benign (2). 1 of the submissions does not count toward it. Last evaluated 2026-01-01.

Conditions:
TGM6-related disorder. Also called: TGM6-related condition.

Allele frequency attached by ClinVar (database versions not stated): ExAC 0.00076; gnomAD 0.00206 and 0.00220; 1000 Genomes Project 0.00240; 1000 Genomes Project 30x 0.00250; TOPMed 0.00258; gnomAD exomes 0.00030 and 0.00062.
gnomAD v4.1: 777 of 1,610,630 alleles (0.048%); highest among the groups gnomAD compares: African/African-American, 0.73%; 2 homozygotes.

Submissions (5):

CeGaT Center for Human Genetics Tuebingen
Classification: Likely benign. Last evaluated: 2026-01-01. Review status: criteria provided, single submitter. Criteria: CeGaT Center For Human Genetics Tuebingen Variant Classification Criteria Version 2. Collection method: clinical testing. Allele origin: germline. Affected: yes. Observed: 2 variant alleles.
Comment: TGM6: BP4, BP7

Mayo Clinic Laboratories, Mayo Clinic
Classification: Benign. Last evaluated: 2025-02-25. Review status: criteria provided, single submitter. Criteria: ACMG Guidelines, 2015. Collection method: clinical testing. Allele origin: germline. Observed: 2 variant alleles.
Comment: BS1, BS2, BP4, BP7

Blueprint Genetics
Classification: Likely benign. Last evaluated: 2024-11-26. Review status: criteria provided, single submitter. Criteria: ACMG Guidelines, 2015. Collection method: clinical testing. Allele origin: germline.

Labcorp Genetics (formerly Invitae), Labcorp
Classification: Benign. Last evaluated: 2018-10-10. Review status: criteria provided, single submitter. Criteria: Invitae Variant Classification Sherloc (09022015). Collection method: clinical testing. Allele origin: germline.

PreventionGenetics, part of Exact Sciences
Classification: Likely benign for TGM6-related condition. Last evaluated: 2024-05-23. Review status: no assertion criteria provided. Collection method: clinical testing. Allele origin: germline. Not counted in ClinVar's aggregate classification.
Comment: This variant is classified as likely benign based on ACMG/AMP sequence variant interpretation guidelines (Richards et al. 2015 PMID: 25741868, with internal and published modifications).

NM_198994.3(TGM6):c.171G>A (p.Thr57=)

Gene: TGM6 (transglutaminase 6; plus strand). Cytogenetic location: 20p13.
Variant type: single nucleotide variant.
Coding change: c.171G>A on transcript NM_198994.3 (MANE Select); coding-DNA position 171, G replaced by A.
Protein change: p.Thr57=; no amino-acid change (threonine 57 retained).
Molecular consequence: synonymous variant.
Genome position (GRCh38, 1-based): chr20:2,394,615, G>A. VCF-style: chr20-2394615-G-A. GRCh37 (hg19) VCF-style: chr20-2375261-G-A.
Other names: p.Thr57=; c.171G>A, p.Thr57= (NM_001254734.2).
Identifiers: ClinVar variation 717043 (VCV000717043.14), dbSNP rs12106116, ClinGen allele CA9731560.
Genomic context (GRCh38, chr20:2,394,615, plus strand): 5'-GTTCAGCCTCACGCTGGAGCTGAGCAGAGCCCTGGACTGTGAGGAGATCCTCATCTTCAC[G>A]ATGGAGACAGGTAACTGGGCTTGCCAGCACCCTCTTCTCGTCTGCAGCTGGAGGGACCTG-3'
Protein context (NP_945345.2, residues 47-67): ALDCEEILIF[Thr57=]METGPRASEA